The following continues an entry in ClinVar:

NM_000059.4(BRCA2):c.9666del (p.Cys3222fs)

Gene: BRCA2. ClinVar aggregate classification (germline): Pathogenic. Pathogenic (1).

Submissions 11 to 18 of 18:

Women's Health and Genetics/Laboratory Corporation of America, LabCorp
Classification: Pathogenic for Hereditary breast ovarian cancer syndrome. Last evaluated: 2021-07-25. Review status: criteria provided, single submitter. Criteria: LabCorp Variant Classification Summary - May 2015. Collection method: clinical testing. Allele origin: germline. Not counted in ClinVar's aggregate classification.
Comment: Variant summary: BRCA2 c.9666delT (p.Cys3222TrpfsX27) results in a premature termination codon, predicted to cause a truncation of the encoded protein or absence of the protein due to nonsense mediated decay, which are commonly known mechanisms for disease. Truncations downstream of this position have been classified as pathogenic by our laboratory. The variant allele was found at a frequency of 4e-06 in 248958 control chromosomes (gnomAD). c.9666delT has been reported in the literature in multiple individuals affected with Hereditary Breast And Ovarian Cancer Syndrome (Risch_2001, Hamann_2002, Litton_2012, Rebbeck_2018). These data indicate that the variant is very likely to be associated with disease. To our knowledge, no experimental evidence demonstrating an impact on protein function has been reported. Eight ClinVar submitters (evaluation after 2014), including one expert panel (ENIGMA), cite the variant as pathogenic. Based on the evidence outlined above, the variant was classified as pathogenic.

Quest Diagnostics Nichols Institute San Juan Capistrano
Classification: Pathogenic. Last evaluated: 2021-05-25. Review status: criteria provided, single submitter. Criteria: Quest Diagnostics criteria. Collection method: clinical testing. Allele origin: unknown. Not counted in ClinVar's aggregate classification.
Comment: Although this frameshift variant occurs in the terminal exon of BRCA2 and is not expected to undergo nonsense-mediated decay, the variant removes the last 197 residues of the BRCA2 protein including a region functionally important for interaction with the RAD51 protein and is involved in recombination-mediated DNA repair (PMID: 17515903 (2007)). This variant has been reported in multiple individuals and families with breast/ovarian cancer (PMID: 32885271 (2021), 29053726 (2017), 21913181 (2012), 11897832 (2002), 11179017 (2001)). This variant has not been reported in large, multi-ethnic general populations. Based on the available information, this variant is classified as pathogenic.

ARUP Laboratories, Molecular Genetics and Genomics, ARUP Laboratories
Classification: Pathogenic. Last evaluated: 2020-08-19. Review status: criteria provided, single submitter. Criteria: ARUP Molecular Germline Variant Investigation Process. Collection method: clinical testing. Allele origin: germline. Not counted in ClinVar's aggregate classification.
Comment: The BRCA2 c.9666delT; p.Cys3222fs variant (rs80359772) is reported in the literature in multiple individuals with a personal and/or family history of breast and/or ovarian cancer (Hamann 2002, Harter 2017, Risch 2001). This variant is found on a single chromosome in the Genome Aggregation Database (1/248958 alleles), indicating it is not a common polymorphism. This variant causes a frameshift by deleting a single nucleotide in the last exon of the BRCA2 gene. While this may not lead to nonsense-mediated decay, it is expected to create a truncated protein lacking the last 197 residues of the wildtype protein. Further, other truncating variants downstream of c.9666delT are reported in individuals with breast and/or ovarian cancer and are considered disease-causing (Dodova 2015, van der Hout 2006). Based on available information, the c.9666delT variant is considered to be pathogenic. References: Dodova RI et al. Spectrum and frequencies of BRCA1/2 mutations in Bulgarian high risk breast cancer patients. BMC Cancer. 2015;15:523. Hamann U et al. Contribution of BRCA2 germline mutations to hereditary breast/ovarian cancer in Germany. J Med Genet. 2002;39(3):E12. Harter P et al. Prevalence of deleterious germline variants in risk genes including BRCA1/2 in consecutive ovarian cancer patients (AGO-TR-1). PLoS One. 2017;12(10):e0186043. Risch HA et al. Prevalence and penetrance of germline BRCA1 and BRCA2 mutations in a population series of 649 women with ovarian cancer. Am J Hum Genet. 2001;68(3):700-710. van der Hout AH et al. A DGGE system for comprehensive mutation screening of BRCA1 and BRCA2: application in a Dutch cancer clinic setting. Hum Mutat. 2006;27(7):654-666.

Consortium of Investigators of Modifiers of BRCA1/2 (CIMBA), c/o University of Cambridge
Classification: Pathogenic for Breast-ovarian cancer, familial, susceptibility to, 2. Last evaluated: 2015-10-02. Review status: criteria provided, single submitter. Criteria: CIMBA Mutation Classification guidelines May 2016. Collection method: clinical testing. Allele origin: germline. Not counted in ClinVar's aggregate classification.

German Consortium for Hereditary Breast and Ovarian Cancer, University Hospital Cologne
Classification: Pathogenic for Ovarian neoplasm. Last evaluated: 2018-12-01. Review status: no assertion criteria provided. Collection method: research. Allele origin: germline. Affected: yes. Not counted in ClinVar's aggregate classification.

Research Molecular Genetics Laboratory, Women's College Hospital, University of Toronto
Classification: Pathogenic for Hereditary breast ovarian cancer syndrome. Last evaluated: 2014-01-31. Review status: no assertion criteria provided. Collection method: research. Allele origin: germline. Affected: yes. Study: The Canadian Open Genetics Repository (COGR). Not counted in ClinVar's aggregate classification.

Breast Cancer Information Core (BIC) (BRCA2)
Classification: Pathogenic for Breast-ovarian cancer, familial 2. Review status: no assertion criteria provided. Collection method: clinical testing. Allele origin: germline. Affected: yes. Observed: 1 variant allele. Not counted in ClinVar's aggregate classification.

Department of Pathology and Laboratory Medicine, Sinai Health System
Classification: Pathogenic for Malignant tumor of breast. Review status: no assertion criteria provided. Collection method: clinical testing. Allele origin: unknown. Affected: yes. Study: The Canadian Open Genetics Repository (COGR). Not counted in ClinVar's aggregate classification.
Comment: The BRCA2 p.Cys3222TrpfsX27 variant was identified in 4 of 5034 proband chromosomes (frequency: 0.0008) from Canadian, American and German individuals or families with breast and ovarian cancers (Hamann 2002, Risch 2001, Risch 2006, Zhang 2011, Meindl 2002, Litton 2011). The variant was also identified in dbSBP (ID: rs80359772) â€šÃ„ÃºWith Pathogenic alleleâ€šÃ„Ã¹, ClinVar (classified pathogenic, reviewed by an expert panel; submitters: ENIGMA, CIMBA, Ambry Genetics, BIC, Invitae and Quest Diagnostics Nichols Institute San Juan Capistrano), Clinvitae (2X), BIC Database (1X, with clinical importance, classification pending), ARUP Laboratories (classified definitely pathogenic), and in in control databases in 1 of 244146 chromosomes at a frequency of 0.000004 increasing the likelihood that this may be a low frequency benign variant in certain populations of origin (Genome Aggregation Consortium Feb 27, 2017), identified in European (Non-Finnish) in 1 of 111064 chromosomes (frequency: 0.000009). The variant was not identified in Cosmic, MutDB, LOVD 3.0, UMD-LSDB, and Zhejiang Colon Cancer Database. The variant was not identified in the 1000 Genomes Project, and the NHLBI GO Exome Sequencing Project. The c.9666del variant is predicted to cause a frameshift, which alters the protein's amino acid sequence beginning at codon 3222 and leads to a premature stop codon 27 codons downstream. This alteration is then predicted to result in a truncated or absent protein and loss of function. Loss of function variants of the BRCA2 gene are an established mechanism of disease in hereditary breast and ovarian cancer and is the type of variant expected to cause the disorder. In summary, based on the above information this variant meets our laboratoryâ€šÃ„Ã´s criteria to be classified as pathogenic.

Literature cited by the submitters: PubMed 17026620 (cited by Labcorp Genetics (formerly Invitae), Labcorp); PubMed 18593900 (cited by Labcorp Genetics (formerly Invitae), Labcorp); PubMed 18607349 (cited by Labcorp Genetics (formerly Invitae), Labcorp); PubMed 22711857 (cited by Labcorp Genetics (formerly Invitae), Labcorp); PubMed 11897832 (cited by 5 submitters); PubMed 17148771 (cited by 3 submitters); PubMed 21324516 (cited by 3 submitters); PubMed 21913181 (cited by 4 submitters); PubMed 29053726 (cited by 3 submitters); PubMed 31567591 (cited by Mayo Clinic Laboratories, Mayo Clinic and All of Us Research Program, National Institutes of Health); PubMed 36623239 (cited by Mayo Clinic Laboratories, Mayo Clinic and All of Us Research Program, National Institutes of Health); PubMed 9126738 (cited by Color Diagnostics, LLC DBA Color Health); PubMed 9192668 (cited by Color Diagnostics, LLC DBA Color Health); PubMed 10570174 (cited by Color Diagnostics, LLC DBA Color Health); PubMed 11179017 (cited by 3 submitters); PubMed 32885271 (cited by Color Diagnostics, LLC DBA Color Health and Quest Diagnostics Nichols Institute San Juan Capistrano); PubMed 8988179 (cited by All of Us Research Program, National Institutes of Health); PubMed 29446198 (cited by 4 submitters); PubMed 11802209 (cited by Women's Health and Genetics/Laboratory Corporation of America, LabCorp); PubMed 26295337 (cited by Quest Diagnostics Nichols Institute San Juan Capistrano).